The following is an entry in ClinVar:

ClinVar aggregate classification (germline): Benign/Likely benign. Review status: criteria provided, multiple submitters, no conflicts (2 of 4 stars). 3 submissions from 3 submitters: Benign (1); Likely benign (2). Last evaluated 2025-11-19.

Conditions:
Leukocyte adhesion deficiency 3. Also called: Leukocyte adhesion deficiency, type III; INTEGRIN ACTIVATION DEFICIENCY DISEASE; LEUKOCYTE ADHESION DEFICIENCY 1 VARIANT. Identifiers: Orphanet 2968, Orphanet 99844, MedGen C2748536, MONDO:0013016, OMIM 612840.

Allele frequency attached by ClinVar (database versions not stated): gnomAD exomes 0.00032; ExAC 0.00045; ESP Exome Variant Server 0.00069; gnomAD 0.00104 and 0.00116; TOPMed 0.00127; 1000 Genomes Project 0.00140; 1000 Genomes Project 30x 0.00141.

Submissions (3):

Labcorp Genetics (formerly Invitae), Labcorp
Classification: Benign for Leukocyte adhesion deficiency 3. Last evaluated: 2025-11-19. Review status: criteria provided, single submitter. Criteria: Invitae Variant Classification Sherloc (09022015). Collection method: clinical testing. Allele origin: germline.

Blueprint Genetics
Classification: Likely benign. Last evaluated: 2024-11-13. Review status: criteria provided, single submitter. Criteria: ACMG Guidelines, 2015. Collection method: clinical testing. Allele origin: germline.

CeGaT Center for Human Genetics Tuebingen
Classification: Likely benign. Last evaluated: 2023-02-01. Review status: criteria provided, single submitter. Criteria: CeGaT Center For Human Genetics Tuebingen Variant Classification Criteria Version 2. Collection method: clinical testing. Allele origin: germline. Affected: yes. Observed: 1 variant allele.
Comment: FERMT3: BP4, BP7

NM_031471.6(FERMT3):c.921C>T (p.Ser307=)

Gene: FERMT3 (FERM domain containing kindlin 3; plus strand). Cytogenetic location: 11q13.1.
Variant type: single nucleotide variant.
Coding change: c.921C>T on transcript NM_031471.6 (MANE Select); coding-DNA position 921, C replaced by T.
Protein change: p.Ser307=; no amino-acid change (serine 307 retained).
Molecular consequence: synonymous variant.
Genome position (GRCh38, 1-based): chr11:64,219,550, C>T. VCF-style: chr11-64219550-C-T. GRCh37 (hg19) VCF-style: chr11-63987022-C-T.
Other names: c.921C>T, p.Ser307= (NM_001382361.1, NM_001382362.1, NM_001382448.1 and 1 more transcripts); c.381C>T, p.Ser127= (NM_001382363.1, NM_001382364.1).
Identifiers: ClinVar variation 714954 (VCV000714954.35), dbSNP rs78713523, ClinGen allele CA6068952.
Genomic context (GRCh38, chr11:64,219,550, plus strand): 5'-GGACTCAGCCCTCCCTGGCTTCATGACCACCTAGTACCACATCAACAAGCTGTCCCAGAG[C>T]GGGGAGGTGGGGGAGCCGGCTGGCACAGACCCAGGGCTGGACGACCTGGATGTGGCCCTG-3'
Protein context (NP_113659.3, residues 297-317): LQYHINKLSQ[Ser307=]GEVGEPAGTD